The following is an entry in ClinVar:

ClinVar aggregate classification (germline): Uncertain significance (1 of 4 stars; one submission).

Conditions:
Orofacial cleft 6, susceptibility to (OFC6). Also called: CLEFT LIP WITH OR WITHOUT CLEFT PALATE, NONSYNDROMIC, 6. Identifiers: MedGen C1837213, MONDO:0012141, OMIM 608864.
Popliteal pterygium syndrome (PPS). Identifiers: Orphanet 294963, MedGen C0265259, MONDO:0017435.
Van der Woude syndrome. Identifiers: Orphanet 888, MedGen C0175697, MONDO:0019508.

Submission:

Labcorp Genetics (formerly Invitae), Labcorp
Classification: Uncertain significance for Orofacial cleft 6, susceptibility to; Van der Woude syndrome; Popliteal pterygium syndrome. Last evaluated: 2025-07-03. Review status: criteria provided, single submitter. Criteria: Invitae Variant Classification Sherloc (09022015). Collection method: clinical testing. Allele origin: germline.
Comment: This sequence change replaces leucine, which is neutral and non-polar, with proline, which is neutral and non-polar, at codon 436 of the IRF6 protein (p.Leu436Pro). This variant is not present in population databases (gnomAD no frequency). This variant has not been reported in the literature in individuals affected with IRF6-related conditions. Invitae Evidence Modeling of protein sequence and biophysical properties (such as structural, functional, and spatial information, amino acid conservation, physicochemical variation, residue mobility, and thermodynamic stability) indicates that this missense variant is expected to disrupt IRF6 protein function with a positive predictive value of 95%. In summary, the available evidence is currently insufficient to determine the role of this variant in disease. Therefore, it has been classified as a Variant of Uncertain Significance.

NM_006147.4(IRF6):c.1307T>C (p.Leu436Pro)

Gene: IRF6 (interferon regulatory factor 6; minus strand). Cytogenetic location: 1q32.2.
Variant type: single nucleotide variant.
Coding change: c.1307T>C on transcript NM_006147.4 (MANE Select); coding-DNA position 1307, T replaced by C.
Protein change: p.Leu436Pro; replaces leucine 436 with proline.
Molecular consequence: missense variant.
Genome position (GRCh38, 1-based): chr1:209,788,517, A>G on the plus strand (T>C on the coding strand, the complement: IRF6 is on the minus strand). VCF-style: chr1-209788517-A-G. GRCh37 (hg19) VCF-style: chr1-209961862-A-G.
Other names: c.1022T>C, p.Leu341Pro (NM_001206696.2); short protein forms L341P, L436P.
Identifiers: ClinVar variation 4789272 (VCV004789272.1).
Genomic context (GRCh38, chr1:209,788,517, plus strand): 5'-GGGGTGGGCTGCATGGGCTGCCAGCTCTCCTGGGTTTGAAGGATGCGGTACAGCTGCTTC[A>G]GCTGAGCAACGATGTTATCCTTGATGTCTGGGGTTGAGATCTGCAGGCGGACACTGCCAC-3'
Protein context (NP_006138.1, residues 426-446): PDIKDNIVAQ[Leu436Pro]KQLYRILQTQ